The following is an entry in ClinVar:

ClinVar aggregate classification (germline): Uncertain significance (1 of 4 stars; one submission).

Submission:

Labcorp Genetics (formerly Invitae), Labcorp
Classification: Uncertain significance. Last evaluated: 2023-10-26. Review status: criteria provided, single submitter. Criteria: Invitae Variant Classification Sherloc (09022015). Collection method: clinical testing. Allele origin: germline.
Comment: This sequence change falls in intron 6 of the DLC1 gene. It does not directly change the encoded amino acid sequence of the DLC1 protein. Information on the frequency of this variant in the gnomAD database is not available, as this variant may be reported differently in the database. This variant has not been reported in the literature in individuals affected with DLC1-related conditions. Experimental studies and prediction algorithms are not available or were not evaluated, and the effect of this variant on mRNA splicing is currently unknown. In summary, the available evidence is currently insufficient to determine the role of this variant in disease. Therefore, it has been classified as a Variant of Uncertain Significance.

NM_182643.3(DLC1):c.1420+16_1420+17delinsAG

Gene: DLC1 (DLC1 Rho GTPase activating protein; minus strand). Cytogenetic location: 8p22.
Variant type: Indel.
Coding change: c.1420+16_1420+17delinsAG on transcript NM_182643.3 (MANE Select); bases 16 to 17 of the intron after coding-DNA position 1420, CA replaced by AG.
Molecular consequence: intron variant.
Genome position (GRCh38, 1-based): chr8:13,115,569-13,115,570, TG replaced by CT on the plus strand (CA replaced by AG on the coding strand, the reverse complement: DLC1 is on the minus strand). VCF-style: chr8-13115569-TG-CT. GRCh37 (hg19) VCF-style: chr8-12973078-TG-CT.
Other names: c.109+16_109+17delinsAG (NM_001413135.1, NM_006094.5, NM_001413140.1 and 2 more transcripts); c.-351+16_-351+17delinsAG (NM_001413138.1, NM_001413133.1); c.-114+16_-114+17delinsAG (NM_001164271.2, NM_001348083.1, NM_001413126.1 and 1 more transcripts); c.-32+16_-32+17delinsAG (NM_001348082.2, NM_001413128.1, NM_001348084.2); c.1420+16_1420+17delinsAG (NM_001348081.2, NM_001413124.1); c.-77+16_-77+17delinsAG (NM_001413131.1, NM_001413137.1); c.211+16_211+17delinsAG (NM_001413129.1, NM_001316668.2, NM_001413132.1); c.202+16_202+17delinsAG (NM_001413130.1).
Identifiers: ClinVar variation 2770333 (VCV002770333.3), dbSNP rs2537213736, ClinGen allele CA2697549756.